The following is an entry in ClinVar:

ClinVar aggregate classification (germline): Uncertain significance (1 of 4 stars; one submission).

Conditions:
Arthrogryposis- oculomotor limitation-electroretinal anomalies syndrome. Also called: ARTHROGRYPOSIS, DISTAL, TYPE 5; ARTHROGRYPOSIS WITH OCULOMOTOR LIMITATION AND ELECTRORETINAL ABNORMALITIES; ARTHROGRYPOSIS, DISTAL, TYPE IIB. Identifiers: Orphanet 1154, MedGen C1862472, MONDO:0007158, OMIM 108145.

gnomAD v4.1: 14 of 1,536,930 alleles (0.00091%); highest among the groups gnomAD compares: Non-Finnish European, 0.0012%; no homozygotes.

Submission:

Victorian Clinical Genetics Services, Murdoch Childrens Research Institute
Classification: Uncertain significance for Arthrogryposis- oculomotor limitation-electroretinal anomalies syndrome. Last evaluated: 2022-09-02. Review status: criteria provided, single submitter. Criteria: ACMG Guidelines, 2015. Collection method: clinical testing. Allele origin: germline. Inheritance: Autosomal dominant inheritance. Affected: yes.
Comment: Based on the classification scheme VCGS_Germline_v1.3.4, this variant is classified as VUS-3B. Following criteria are met: 0103 - Loss of function and gain of function are known mechanisms of disease in this gene and are associated with arthrogryposis (OMIM). Loss of function has generally been shown to be caused by NMD variants whereas gain of function has generally been associated with missense variants clustered in the C-terminal (PMID: 30988732). (I) 0108 - This gene is associated with both recessive and dominant disease. Recessive disease is due to loss of function variants and dominant disease is due to gain of function variants (PMID: 30988732). The phenotypes have been recently regarded as etiologically related (PMID: 24726473). (I) 0200 - Variant is predicted to result in a missense amino acid change from phenylalanine to leucine. (I) 0251 - This variant is heterozygous. (I) 0302 - Variant is present in gnomAD (v2, v3) <0.001 for a dominant condition (1 heterozygote, 0 homozygotes). (SP) 0502 - Missense variant with conflicting in silico predictions and uninformative conservation. (I) 0604 - Variant is not located in an established domain, motif, hotspot or informative constraint region. (I) 0705 - No comparable missense variants have previous evidence for pathogenicity. (I) 0807 - This variant has no previous evidence of pathogenicity. (I) 0905 - No published segregation evidence has been identified for this variant. (I) 1007 - No published functional evidence has been identified for this variant. (I) 1208 - Inheritance information for this variant is not currently available in this individual. (I) Legend: (SP) - Supporting pathogenic, (I) - Information, (SB) - Supporting benign

Literature cited by the submitters: PubMed 24726473; PubMed 30988732.

NM_001378183.1(PIEZO2):c.739T>C (p.Phe247Leu)

Gene: PIEZO2 (piezo type mechanosensitive ion channel component 2; minus strand). Cytogenetic location: 18p11.22.
Variant type: single nucleotide variant.
Coding change: c.739T>C on transcript NM_001378183.1 (MANE Select); coding-DNA position 739, T replaced by C.
Protein change: p.Phe247Leu; replaces phenylalanine 247 with leucine.
Molecular consequence: missense variant.
Genome position (GRCh38, 1-based): chr18:10,855,531, A>G on the plus strand (T>C on the coding strand, the complement: PIEZO2 is on the minus strand). VCF-style: chr18-10855531-A-G. GRCh37 (hg19) VCF-style: chr18-10855529-A-G.
Other names: c.739T>C, p.Phe247Leu (NM_001410871.1, NM_022068.4); short protein forms F247L.
Identifiers: ClinVar variation 3376630 (VCV003376630.1).
Genomic context (GRCh38, chr18:10,855,531, plus strand): 5'-GCAATGGGTCGAACGTCCGGCACCAGGACCACCAGGTGCACAGACCCAAAAATACAAAAA[A>G]ATACACAGATGATGTCAAAGACGGCAACATCATGCCTAAGGAAGAGAAACGTAATCACAA-3'
Protein context (NP_001365112.1, residues 237-257): MLPSLTSSVY[Phe247Leu]FVFLGLCTWW